The following is an entry in ClinVar:

ClinVar aggregate classification (germline): Uncertain significance (1 of 4 stars; one submission).

Conditions:
Ataxia-telangiectasia-like disorder (ATLD). Identifiers: MedGen C1858391, MONDO:0011457.

Submission:

Labcorp Genetics (formerly Invitae), Labcorp
Classification: Uncertain significance for Ataxia-telangiectasia-like disorder. Last evaluated: 2020-02-21. Review status: criteria provided, single submitter. Criteria: Invitae Variant Classification Sherloc (09022015). Collection method: clinical testing. Allele origin: germline.
Comment: This sequence change replaces asparagine with serine at codon 706 of the MRE11 protein (p.Asn706Ser). The asparagine residue is weakly conserved and there is a small physicochemical difference between asparagine and serine. This variant is not present in population databases (ExAC no frequency). This variant has not been reported in the literature in individuals with MRE11-related conditions. Algorithms developed to predict the effect of missense changes on protein structure and function output the following: SIFT: "Tolerated"; PolyPhen-2: "Benign"; Align-GVGD: "Class C0". The serine amino acid residue is found in multiple mammalian species, suggesting that this missense change does not adversely affect protein function. These predictions have not been confirmed by published functional studies and their clinical significance is uncertain. In summary, the available evidence is currently insufficient to determine the role of this variant in disease. Therefore, it has been classified as a Variant of Uncertain Significance.

NM_005591.4(MRE11):c.2117A>G (p.Asn706Ser)

Gene: MRE11 (MRE11 double strand break repair nuclease; minus strand). Cytogenetic location: 11q21.
Variant type: single nucleotide variant.
Coding change: c.2117A>G on transcript NM_005591.4 (MANE Select); coding-DNA position 2117, A replaced by G.
Protein change: p.Asn706Ser; replaces asparagine 706 with serine.
Molecular consequence: missense variant.
Genome position (GRCh38, 1-based): chr11:94,420,135, T>C on the plus strand (A>G on the coding strand, the complement: MRE11 is on the minus strand). VCF-style: chr11-94420135-T-C. GRCh37 (hg19) VCF-style: chr11-94153301-T-C.
Other names: c.2114A>G, p.Asn705Ser (NM_001330347.2); c.2033A>G, p.Asn678Ser (NM_005590.4); short protein forms N678S, N706S, N705S.
Identifiers: ClinVar variation 647222 (VCV000647222.8), dbSNP rs1591621080, ClinGen allele CA382372518.